The following is an entry in ClinVar:

NM_013276.4(SHPK):c.14C>G (p.Pro5Arg)

Gene: SHPK (sedoheptulokinase; minus strand). Cytogenetic location: 17p13.2.
Variant type: single nucleotide variant.
Coding change: c.14C>G on transcript NM_013276.4 (MANE Select); coding-DNA position 14, C replaced by G.
Protein change: p.Pro5Arg; replaces proline 5 with arginine.
Molecular consequence: missense variant.
Genome position (GRCh38, 1-based): chr17:3,636,206, G>C on the plus strand (C>G on the coding strand, the complement: SHPK is on the minus strand). VCF-style: chr17-3636206-G-C. GRCh37 (hg19) VCF-style: chr17-3539500-G-C.
Other names: c.14C>G (NM_013276.2); short protein forms P5R.
Identifiers: ClinVar variation 2724875 (VCV002724875.4), dbSNP rs138595855, ClinGen allele CA8291472.

ClinVar aggregate classification (germline): Uncertain significance. Review status: criteria provided, multiple submitters, no conflicts (2 of 4 stars). 2 submissions from 2 submitters: Uncertain significance (2). Last evaluated 2025-04-04.

gnomAD v4.1: 125 of 1,603,936 alleles (0.0078%); highest among the groups gnomAD compares: African/African-American, 0.019%; no homozygotes.

Submissions (2):

Ambry Genetics
Classification: Uncertain significance. Last evaluated: 2025-04-04. Review status: criteria provided, single submitter. Criteria: Ambry Variant Classification Scheme 2023. Collection method: clinical testing. Allele origin: germline.

Labcorp Genetics (formerly Invitae), Labcorp
Classification: Uncertain significance. Last evaluated: 2024-12-02. Review status: criteria provided, single submitter. Criteria: Invitae Variant Classification Sherloc (09022015). Collection method: clinical testing. Allele origin: germline.
Comment: This sequence change replaces proline, which is neutral and non-polar, with arginine, which is basic and polar, at codon 5 of the SHPK protein (p.Pro5Arg). This variant is present in population databases (rs138595855, gnomAD 0.01%). This variant has not been reported in the literature in individuals affected with SHPK-related conditions. ClinVar contains an entry for this variant (Variation ID: 2724875). An algorithm developed to predict the effect of missense changes on protein structure and function outputs the following: PolyPhen-2: "Benign". The arginine amino acid residue is found in multiple mammalian species, which suggests that this missense change does not adversely affect protein function. In summary, the available evidence is currently insufficient to determine the role of this variant in disease. Therefore, it has been classified as a Variant of Uncertain Significance.